The following is an entry in ClinVar:

ClinVar aggregate classification (germline): Benign/Likely benign. Review status: criteria provided, multiple submitters, no conflicts (2 of 4 stars). 4 submissions from 4 submitters: Benign (3); Likely benign (1). Last evaluated 2026-01-28.

Conditions:
Xeroderma pigmentosum group B. Also called: XP, GROUP B; XPB/CS; XERODERMA PIGMENTOSUM B/COCKAYNE SYNDROME; ERCC3-Related Xeroderma Pigmentosum. Identifiers: MedGen C0268136, MONDO:0012531, OMIM 610651.

Allele frequency attached by ClinVar (database versions not stated): ExAC 0.00109; 1000 Genomes Project 0.00319; gnomAD 0.00338 and 0.00362; 1000 Genomes Project 30x 0.00359; ESP Exome Variant Server 0.00400; TOPMed 0.00405.
gnomAD v4.1: 1,100 of 1,614,110 alleles (0.068%); highest among the groups gnomAD compares: African/African-American, 1.3%; 9 homozygotes.

Submissions (4):

Labcorp Genetics (formerly Invitae), Labcorp
Classification: Benign. Last evaluated: 2026-01-28. Review status: criteria provided, single submitter. Criteria: Invitae Variant Classification Sherloc (09022015). Collection method: clinical testing. Allele origin: germline.

Blueprint Genetics
Classification: Likely benign. Last evaluated: 2024-10-08. Review status: criteria provided, single submitter. Criteria: ACMG Guidelines, 2015. Collection method: clinical testing. Allele origin: germline.

CeGaT Center for Human Genetics Tuebingen
Classification: Benign. Last evaluated: 2024-03-01. Review status: criteria provided, single submitter. Criteria: CeGaT Center For Human Genetics Tuebingen Variant Classification Criteria Version 2. Collection method: clinical testing. Allele origin: germline. Affected: yes. Observed: 1 variant allele.
Comment: ERCC3: BP4, BP7, BS1, BS2

Illumina Laboratory Services, Illumina
Classification: Benign for Xeroderma pigmentosum group B. Last evaluated: 2018-01-13. Review status: criteria provided, single submitter. Criteria: ICSL Variant Classification Criteria 13 December 2019. Collection method: clinical testing. Allele origin: germline.
Comment: This variant was observed in the ICSL laboratory as part of a predisposition screen in an ostensibly healthy population. It had not been previously curated by ICSL or reported in the Human Gene Mutation Database (HGMD: prior to June 1st, 2018), and was therefore a candidate for classification through an automated scoring system. Utilizing variant allele frequency, disease prevalence and penetrance estimates, and inheritance mode, an automated score was calculated to assess if this variant is too frequent to cause the disease. Based on the score and internal cut-off values, a variant classified as benign is not then subjected to further curation. The score for this variant resulted in a classification of benign for this disease.

NM_000122.2(ERCC3):c.615G>A (p.Glu205=)

Gene: ERCC3 (ERCC excision repair 3, TFIIH core complex helicase subunit; minus strand). Cytogenetic location: 2q14.3.
Variant type: single nucleotide variant.
Coding change: c.615G>A on transcript NM_000122.2 (MANE Select); coding-DNA position 615, G replaced by A.
Protein change: p.Glu205=; no amino-acid change (glutamic acid 205 retained).
Molecular consequence: synonymous variant.
Genome position (GRCh38, 1-based): chr2:127,289,731, C>T on the plus strand (G>A on the coding strand, the complement: ERCC3 is on the minus strand). VCF-style: chr2-127289731-C-T. GRCh37 (hg19) VCF-style: chr2-128047307-C-T.
Other names: c.423G>A, p.Glu141= (NM_001303416.2, NM_001303418.2).
Identifiers: ClinVar variation 331090 (VCV000331090.37), dbSNP rs13427563, ClinGen allele CA1858498.